The following is an entry in ClinVar:

ClinVar aggregate classification (germline): Uncertain significance (1 of 4 stars; one submission).

Submission:

Athena Diagnostics
Classification: Uncertain significance. Last evaluated: 2024-02-20. Review status: criteria provided, single submitter. Criteria: Athena Diagnostics Criteria. Collection method: clinical testing. Allele origin: unknown.
Comment: Available data are insufficient to determine the clinical significance of the variant at this time. This variant has not been reported in large, multi-ethnic general populations. Computational tools predict that this variant is damaging. The variant is located in a region that is considered important for protein function and/or structure.

NM_006796.3(AFG3L2):c.1970C>T (p.Ala657Val)

Gene: AFG3L2 (AFG3 like matrix AAA peptidase subunit 2; minus strand). Cytogenetic location: 18p11.21.
Variant type: single nucleotide variant.
Coding change: c.1970C>T on transcript NM_006796.3 (MANE Select); coding-DNA position 1970, C replaced by T.
Protein change: p.Ala657Val; replaces alanine 657 with valine.
Molecular consequence: missense variant.
Genome position (GRCh38, 1-based): chr18:12,340,211, G>A on the plus strand (C>T on the coding strand, the complement: AFG3L2 is on the minus strand). VCF-style: chr18-12340211-G-A. GRCh37 (hg19) VCF-style: chr18-12340210-G-A.
Other names: short protein forms A657V.
Identifiers: ClinVar variation 3571773 (VCV003571773.1).